The following is an entry in ClinVar:

NM_001903.5(CTNNA1):c.610C>T (p.Arg204Cys)

Gene: CTNNA1 (catenin alpha 1; plus strand). Cytogenetic location: 5q31.2.
Variant type: single nucleotide variant.
Coding change: c.610C>T on transcript NM_001903.5 (MANE Select); coding-DNA position 610, C replaced by T.
Protein change: p.Arg204Cys; replaces arginine 204 with cysteine.
Molecular consequence: missense variant.
Genome position (GRCh38, 1-based): chr5:138,824,551, C>T. VCF-style: chr5-138824551-C-T. GRCh37 (hg19) VCF-style: chr5-138160240-C-T.
Other names: c.610C>T, p.Arg204Cys (NM_001290307.3, NM_001323982.2, NM_001323983.1 and 3 more transcripts); c.301C>T, p.Arg101Cys (NM_001290309.3); c.241C>T, p.Arg81Cys (NM_001290310.3); short protein forms R204C, R81C, R101C.
Identifiers: ClinVar variation 957070 (VCV000957070.12), dbSNP rs748407995, ClinGen allele CA3431509.

ClinVar aggregate classification (germline): Uncertain significance. Review status: criteria provided, multiple submitters, no conflicts (2 of 4 stars). 2 submissions from 2 submitters: Uncertain significance (2). Last evaluated 2024-12-02.

Conditions:
Hereditary cancer-predisposing syndrome. Also called: Hereditary neoplastic syndrome; Tumor predisposition; Neoplastic Syndromes, Hereditary; Hereditary Cancer Syndrome. Identifiers: Orphanet 140162, MedGen C0027672, MeSH D009386, MONDO:0015356.

Allele frequency attached by ClinVar (database versions not stated): gnomAD exomes 0.00001 and 0.00002; ExAC 0.00005.
gnomAD v4.1: 15 of 1,614,050 alleles (0.00093%); highest among the groups gnomAD compares: African/African-American, 0.0013%; no homozygotes.

Submissions (2):

Labcorp Genetics (formerly Invitae), Labcorp
Classification: Uncertain significance. Last evaluated: 2024-12-02. Review status: criteria provided, single submitter. Criteria: Invitae Variant Classification Sherloc (09022015). Collection method: clinical testing. Allele origin: germline.
Comment: This sequence change replaces arginine, which is basic and polar, with cysteine, which is neutral and slightly polar, at codon 204 of the CTNNA1 protein (p.Arg204Cys). This variant is present in population databases (rs748407995, gnomAD 0.004%). This variant has not been reported in the literature in individuals affected with CTNNA1-related conditions. ClinVar contains an entry for this variant (Variation ID: 957070). Invitae Evidence Modeling of protein sequence and biophysical properties (such as structural, functional, and spatial information, amino acid conservation, physicochemical variation, residue mobility, and thermodynamic stability) has been performed for this missense variant. However, the output from this modeling did not meet the statistical confidence thresholds required to predict the impact of this variant on CTNNA1 protein function. In summary, the available evidence is currently insufficient to determine the role of this variant in disease. Therefore, it has been classified as a Variant of Uncertain Significance.

Ambry Genetics
Classification: Uncertain significance for Hereditary cancer-predisposing syndrome. Last evaluated: 2024-03-12. Review status: criteria provided, single submitter. Criteria: Ambry Variant Classification Scheme 2023. Collection method: clinical testing. Allele origin: germline.
Comment: The p.R204C variant (also known as c.610C>T), located in coding exon 5 of the CTNNA1 gene, results from a C to T substitution at nucleotide position 610. The arginine at codon 204 is replaced by cysteine, an amino acid with highly dissimilar properties. In one study, this alteration was identified in 1/151,425 individuals who underwent multi-gene germline genetic testing and classified as a variant of uncertain significance by the authors (Clark DF et al. Genet Med, 2020 05;22:840-846). This amino acid position is well conserved in available vertebrate species. In addition, the in silico prediction for this alteration is inconclusive. The evidence for this gene-disease relationship is limited; therefore, the clinical significance of this alteration is unclear.

Literature cited by the submitters: PubMed 32051609 (cited by Ambry Genetics).